The following is an entry in ClinVar:

NM_000440.3(PDE6A):c.2252C>T (p.Thr751Met)

Gene: PDE6A (phosphodiesterase 6A; minus strand). Cytogenetic location: 5q32.
Variant type: single nucleotide variant.
Coding change: c.2252C>T on transcript NM_000440.3 (MANE Select); coding-DNA position 2252, C replaced by T.
Protein change: p.Thr751Met; replaces threonine 751 with methionine.
Molecular consequence: missense variant.
Genome position (GRCh38, 1-based): chr5:149,867,747, G>A on the plus strand (C>T on the coding strand, the complement: PDE6A is on the minus strand). VCF-style: chr5-149867747-G-A. GRCh37 (hg19) VCF-style: chr5-149247310-G-A.
Other names: short protein forms T751M.
Identifiers: ClinVar variation 905270 (VCV000905270.11), dbSNP rs143080578, ClinGen allele CA3504351.
Genomic context (GRCh38, chr5:149,867,747, plus strand): 5'-CACACCTAACATCAGGCTGACATCCCCTGTCTACTCACAATGGGATTCTGTTGCAGCACC[G>A]TGCGCTCCAGGTCACCTTGTTCCCAGAATTCAGCAGCCACCAGCAGAGCTACCTGCAACA-3'
Protein context (NP_000431.2, residues 741-761): EFWEQGDLER[Thr751Met]VLQQNPIPMM

ClinVar aggregate classification (germline): Uncertain significance. Review status: criteria provided, multiple submitters, no conflicts (2 of 4 stars). 4 submissions from 4 submitters: Uncertain significance (4). Last evaluated 2025-05-25.

Conditions:
Inborn genetic diseases. Identifiers: MedGen C0950123, MeSH D030342.
Retinitis pigmentosa (RP). Identifiers: Orphanet 791, MedGen C0035334, MeSH D012174, MONDO:0019200, OMIM 268000. Inheritance: Autosomal dominant, autosomal recessive and X linked inheritance.

Allele frequency attached by ClinVar (database versions not stated): TOPMed 0.00011; gnomAD exomes 0.00012 and 0.00022; ExAC 0.00015; gnomAD 0.00015; ESP Exome Variant Server 0.00031.
gnomAD v4.1: 341 of 1,613,594 alleles (0.021%); highest among the groups gnomAD compares: Non-Finnish European, 0.027%; no homozygotes.

Submissions (4):

Ambry Genetics
Classification: Uncertain significance for Inborn genetic diseases. Last evaluated: 2025-05-25. Review status: criteria provided, single submitter. Criteria: Ambry Variant Classification Scheme 2023. Collection method: clinical testing. Allele origin: germline.

Blueprint Genetics
Classification: Uncertain significance. Last evaluated: 2023-05-12. Review status: criteria provided, single submitter. Criteria: ACMG Guidelines, 2015. Collection method: clinical testing. Allele origin: germline.

Labcorp Genetics (formerly Invitae), Labcorp
Classification: Uncertain significance. Last evaluated: 2022-10-13. Review status: criteria provided, single submitter. Criteria: Invitae Variant Classification Sherloc (09022015). Collection method: clinical testing. Allele origin: germline.
Comment: This sequence change replaces threonine, which is neutral and polar, with methionine, which is neutral and non-polar, at codon 751 of the PDE6A protein (p.Thr751Met). This variant is present in population databases (rs143080578, gnomAD 0.02%). This variant has not been reported in the literature in individuals affected with PDE6A-related conditions. ClinVar contains an entry for this variant (Variation ID: 905270). Advanced modeling of protein sequence and biophysical properties (such as structural, functional, and spatial information, amino acid conservation, physicochemical variation, residue mobility, and thermodynamic stability) performed at Invitae indicates that this missense variant is not expected to disrupt PDE6A protein function. In summary, the available evidence is currently insufficient to determine the role of this variant in disease. Therefore, it has been classified as a Variant of Uncertain Significance.

Illumina Laboratory Services, Illumina
Classification: Uncertain significance for Retinitis pigmentosa. Last evaluated: 2018-01-13. Review status: criteria provided, single submitter. Criteria: ICSL Variant Classification Criteria 13 December 2019. Collection method: clinical testing. Allele origin: germline.